The following is an entry in ClinVar:

NM_001365951.3(KIF1B):c.2562G>C (p.Glu854Asp)

Gene: KIF1B (kinesin family member 1B; plus strand). Cytogenetic location: 1p36.22.
Variant type: single nucleotide variant.
Coding change: c.2562G>C on transcript NM_001365951.3 (MANE Select); coding-DNA position 2562, G replaced by C.
Protein change: p.Glu854Asp; replaces glutamic acid 854 with aspartic acid.
Molecular consequence: missense variant.
Genome position (GRCh38, 1-based): chr1:10,324,782, G>C. VCF-style: chr1-10324782-G-C. GRCh37 (hg19) VCF-style: chr1-10384840-G-C.
Other names: c.2562G>C, p.Glu854Asp (NM_001365952.1); c.2424G>C, p.Glu808Asp (NM_015074.3); short protein forms E808D, E854D.
Identifiers: ClinVar variation 3534099 (VCV003534099.2).

ClinVar aggregate classification (germline): Uncertain significance. Review status: criteria provided, multiple submitters, no conflicts (2 of 4 stars). 2 submissions from 2 submitters: Uncertain significance (2). Last evaluated 2025-06-27.

Conditions:
Charcot-Marie-Tooth disease type 2. Also called: Charcot-Marie-Tooth type 2. Identifiers: Orphanet 64746, MedGen C0270914, MONDO:0018993.

gnomAD v4.1: 1 of 1,614,068 alleles (0.000062%); highest among the groups gnomAD compares: Non-Finnish European, 0.000085%; no homozygotes.

Submissions (2):

Labcorp Genetics (formerly Invitae), Labcorp
Classification: Uncertain significance for Charcot-Marie-Tooth disease type 2. Last evaluated: 2025-06-27. Review status: criteria provided, single submitter. Criteria: Invitae Variant Classification Sherloc (09022015). Collection method: clinical testing. Allele origin: germline.
Comment: This sequence change replaces glutamic acid, which is acidic and polar, with aspartic acid, which is acidic and polar, at codon 808 of the KIF1B protein (p.Glu808Asp). This variant is not present in population databases (gnomAD no frequency). This variant has not been reported in the literature in individuals affected with KIF1B-related conditions. ClinVar contains an entry for this variant (Variation ID: 3534099). Invitae Evidence Modeling of protein sequence and biophysical properties (such as structural, functional, and spatial information, amino acid conservation, physicochemical variation, residue mobility, and thermodynamic stability) indicates that this missense variant is not expected to disrupt KIF1B protein function with a negative predictive value of 80%. In summary, the available evidence is currently insufficient to determine the role of this variant in disease. Therefore, it has been classified as a Variant of Uncertain Significance.

Ambry Genetics
Classification: Uncertain significance. Last evaluated: 2024-12-06. Review status: criteria provided, single submitter. Criteria: Ambry Variant Classification Scheme 2023. Collection method: clinical testing. Allele origin: germline.
Comment: The p.E808D variant (also known as c.2424G>C), located in coding exon 23 of the KIF1B gene, results from a G to C substitution at nucleotide position 2424. The glutamic acid at codon 808 is replaced by aspartic acid, an amino acid with highly similar properties. This amino acid position is conserved. In addition, the in silico prediction for this alteration is inconclusive. Based on the available evidence, the clinical significance of this variant remains unclear.